The following is an entry in ClinVar:

NM_002500.5(NEUROD1):c.250C>T (p.Arg84Cys)

Gene: NEUROD1 (neuronal differentiation 1; minus strand). Cytogenetic location: 2q31.3.
Variant type: single nucleotide variant.
Coding change: c.250C>T on transcript NM_002500.5 (MANE Select); coding-DNA position 250, C replaced by T.
Protein change: p.Arg84Cys; replaces arginine 84 with cysteine.
Molecular consequence: missense variant.
Genome position (GRCh38, 1-based): chr2:181,678,611, G>A on the plus strand (C>T on the coding strand, the complement: NEUROD1 is on the minus strand). VCF-style: chr2-181678611-G-A. GRCh37 (hg19) VCF-style: chr2-182543338-G-A.
Other names: short protein forms R84C.
Identifiers: ClinVar variation 5006166 (VCV005006166.2).

ClinVar aggregate classification (germline): Uncertain significance (1 of 4 stars; one submission).

Conditions:
Maturity-onset diabetes of the young type 6 (MODY6). Identifiers: Orphanet 552, MedGen C1853371, MONDO:0011668, OMIM 606394.
Type 2 diabetes mellitus. Also called: Type II diabetes mellitus. Identifiers: MedGen C0011860, MeSH D003924, MONDO:0005148, OMIM 125853, HP:0005978.

gnomAD v4.1: 4 of 1,614,100 alleles (0.00025%); highest among the groups gnomAD compares: East Asian, 0.0089%; no homozygotes.

Submission:

Juno Genomics, Hangzhou Juno Genomics, Inc
Classification: Uncertain significance for Type 2 diabetes mellitus; Maturity-onset diabetes of the young type 6. Review status: criteria provided, single submitter. Criteria: ACMG Guidelines, 2015. Collection method: clinical testing. Allele origin: germline.
Comment: Absent from controls (or at extremely low frequency if recessive) in Genome Aggregation Database.;Multiple lines of computational evidence support a deleterious effect on the gene or gene product.